The following is an entry in ClinVar:

NM_001164277.2(SLC37A4):c.2del (p.Met1fs)

Gene: SLC37A4 (solute carrier family 37 member 4; minus strand). Cytogenetic location: 11q23.3.
Variant type: Deletion.
Coding change: c.2del on transcript NM_001164277.2 (MANE Select); coding-DNA position 2, one base deleted (T; older notation c.2delT).
Protein change: p.Met1fs; shifts the reading frame from methionine 1.
Molecular consequence: frameshift variant, initiator codon variant. On other transcripts: intron variant (1).
Genome position (GRCh38, 1-based): chr11:119,029,368, A deleted on the plus strand (T on the coding strand, the reverse complement: SLC37A4 is on the minus strand). VCF-style (leftmost placement, unchanged base first): chr11-119029367-CA-C. GRCh37 (hg19) VCF-style: chr11-118900077-CA-C.
Other names: c.2delT, p.Met1Argfs (NM_001164277.1); c.2del, p.Met1fs (NM_001164278.2, NM_001164280.2, NM_001467.6); c.-172+24del (NM_001164279.2); short protein forms M1fs.
Identifiers: ClinVar variation 4061740 (VCV004061740.2).

ClinVar aggregate classification (germline): Likely pathogenic (1 of 4 stars; one submission).

Conditions:
Glucose-6-phosphate transport defect (GSD1B). Also called: Glycogen Storage Disease Type Ib; GSD Ib. Identifiers: Orphanet 364, Orphanet 79259, MedGen C0268146, MONDO:0009288, OMIM 232220.

Submission:

Natera, Inc.
Classification: Likely pathogenic for Glycogen storage disease type Ib. Last evaluated: 2025-04-07. Review status: criteria provided, single submitter. Criteria: Natera Variant Classification Schema (03/2026). Collection method: clinical testing. Allele origin: germline.
Comment: The c.2del variant in SLC37A4 is predicted to result in start loss due to disruption of the initiator methionine. This variant is expected to result in nonsense mediated decay, truncation, or a dysfunctional protein product. This variant is rare in the general population with a frequency below the threshold expected for the associated phenotype(s). Given the available evidence, this variant is classified as Likely Pathogenic.